The following is an entry in ClinVar:

NM_004519.4(KCNQ3):c.1091G>A (p.Arg364His)

Gene: KCNQ3 (potassium voltage-gated channel subfamily Q member 3; minus strand). Cytogenetic location: 8q24.22.
Variant type: single nucleotide variant.
Coding change: c.1091G>A on transcript NM_004519.4 (MANE Select); coding-DNA position 1091, G replaced by A.
Protein change: p.Arg364His; replaces arginine 364 with histidine.
Molecular consequence: missense variant.
Genome position (GRCh38, 1-based): chr8:132,172,647, C>T on the plus strand (G>A on the coding strand, the complement: KCNQ3 is on the minus strand). VCF-style: chr8-132172647-C-T. GRCh37 (hg19) VCF-style: chr8-133184894-C-T.
Other names: c.731G>A, p.Arg244His (NM_001204824.2); short protein forms R244H, R364H.
Identifiers: ClinVar variation 934997 (VCV000934997.19), dbSNP rs1204519015, ClinGen allele CA372289928.

ClinVar aggregate classification (germline): Pathogenic/Likely pathogenic. Review status: criteria provided, multiple submitters, no conflicts (2 of 4 stars). 6 submissions from 6 submitters: Pathogenic (4); Likely pathogenic (1). 1 of the submissions does not count toward it. Last evaluated 2026-08-01.

Conditions:
Seizures, benign familial neonatal, 2. Also called: CONVULSIONS, BENIGN FAMILIAL NEONATAL, 2; KCNQ3-Related Benign Familial Neonatal Epilepsy; KCNQ3-Related Self-Limited Familial Neonatal Epilepsy (SLFNE); Benign Neonatal Epilepsy 2; Seizures, benign neonatal, 2. Identifiers: Orphanet 1949, MedGen C1852581, MONDO:0007366, OMIM 121201.
Benign neonatal seizures. Also called: Benign neonatal familial convulsions; Benign familial neonatal epilepsy; Benign familial neonatal seizures; Convulsions benign familial neonatal dominant form; Autosomal dominant form of benign neonatal seizures. Identifiers: Orphanet 1949, MedGen C0220669, MONDO:0016027.

Allele frequency attached by ClinVar (database versions not stated): gnomAD exomes below 0.00001; gnomAD 0.00001.
gnomAD v4.1: 3 of 1,613,866 alleles (0.00019%); highest among the groups gnomAD compares: Non-Finnish European, 0.00017%; no homozygotes.

Submissions (6):

CeGaT Center for Human Genetics Tuebingen
Classification: Pathogenic. Last evaluated: 2026-08-01. Review status: criteria provided, single submitter. Criteria: CeGaT Center For Human Genetics Tuebingen Variant Classification Criteria Version 2. Collection method: clinical testing. Allele origin: germline. Affected: yes. Observed: 1 variant allele.
Comment: KCNQ3: PS2, PM1, PS4:Moderate, PM2:Supporting, PP2, PP3

Labcorp Genetics (formerly Invitae), Labcorp
Classification: Pathogenic for Benign neonatal seizures. Last evaluated: 2025-06-02. Review status: criteria provided, single submitter. Criteria: Invitae Variant Classification Sherloc (09022015). Collection method: clinical testing. Allele origin: germline.
Comment: This sequence change replaces arginine, which is basic and polar, with histidine, which is basic and polar, at codon 364 of the KCNQ3 protein (p.Arg364His). This variant is not present in population databases (gnomAD no frequency). This missense change has been observed in individual(s) with benign familial infantile epilepsy (BFIE) (PMID: 25278462). In at least one individual the variant was observed to be de novo. ClinVar contains an entry for this variant (Variation ID: 934997). Invitae Evidence Modeling of protein sequence and biophysical properties (such as structural, functional, and spatial information, amino acid conservation, physicochemical variation, residue mobility, and thermodynamic stability) indicates that this missense variant is expected to disrupt KCNQ3 protein function with a positive predictive value of 80%. This variant disrupts the p.Arg364 amino acid residue in KCNQ3. Other variant(s) that disrupt this residue have been determined to be pathogenic (internal data). This suggests that this residue is clinically significant, and that variants that disrupt this residue are likely to be disease-causing. For these reasons, this variant has been classified as Pathogenic.

GeneDx
Classification: Pathogenic. Last evaluated: 2025-04-10. Review status: criteria provided, single submitter. Criteria: GeneDx Variant Classification Process June 2021. Collection method: clinical testing. Allele origin: germline. Affected: yes.
Comment: Not observed at significant frequency in large population cohorts (gnomAD); In silico analysis supports that this missense variant has a deleterious effect on protein structure/function; This variant is associated with the following publications: (PMID: 25278462, 35384780)

3billion
Classification: Pathogenic for Seizures, benign familial neonatal, 2. Last evaluated: 2025-02-19. Review status: criteria provided, single submitter. Criteria: ACMG Guidelines, 2015. Collection method: clinical testing. Allele origin: germline. Affected: yes.
Comment: The variant is observed at an extremely low frequency in the gnomAD v4.1.0 dataset (total allele frequency: <0.001%). Predicted Consequence/Location: Missense variant In silico tool predictions suggest damaging effect of the variant on gene or gene product [REVEL: 0.97 (>=0.6, sensitivity 0.68 and specificity 0.92); 3Cnet: 0.96 (>=0.6, sensitivity 0.72 and precision 0.9)]. The same nucleotide change resulting in the same amino acid change has been previously reported as pathogenic/likely pathogenic with strong evidence (ClinVar ID: VCV000934997 /PMID: 25278462). The variant has been previously reported as assumed (i.e. paternity and maternity not confirmed) de novo in at least one similarly affected unrelated individual (PMID: 25278462). A different missense change at the same codon (p.Arg364Cys) has been reported to be associated with KCNQ3-related disorder (ClinVar ID: VCV000656938). Therefore, this variant is classified as Pathogenic according to the recommendation of ACMG/AMP guideline.

New York Genome Center
Classification: Likely pathogenic for Seizures, benign familial neonatal, 2. Last evaluated: 2019-10-11. Review status: criteria provided, single submitter. Criteria: NYGC Assertion Criteria 2020. Collection method: clinical testing. Allele origin: paternal. Inheritance: Autosomal dominant inheritance. Observed: 1 heterozygote. Study: CSER-NYCKidSeq. Segregation with disease observed.
Comment: The inherited heterozygous p.Arg364His missense variant identified in the KCNQ3 gene is reported once in the gnomAD database (1 out of 282,434 heterozygous alleles) indicating itâ€™s a rare allele in the populations represented in gnomAD. The variant affects a highly conserved residue and is predicted deleterious by multiple in silico prediction tools. In the literature, the p.Arg364His variant has been reported as de novo in a child with infantile convulsions and partial epilepsy with centrotemporal spikes [PMID: 25278462]. The patient had normal cerebral MRI and EEG, normal psychomotor development, and had a cluster of seizures characterized by hemifacial motor seizures, clonic contractions of limbs with hypertonia, with a tendency to evolve into generalized tonic clonic seizures [PMID: 25278462]. Based on the available evidence, the p.Arg364His variant is assessed here as likely pathogenic.

GeneReviews
No classification provided. Condition: Seizures, benign familial neonatal, 2. Review status: no classification provided. Collection method: literature only. Allele origin: germline. Not counted in ClinVar's aggregate classification.

Literature cited by the submitters: PubMed 25278462 (cited by 3 submitters); NCBI Bookshelf NBK201978 (cited by GeneReviews).